The following is an entry in ClinVar:

GRCh37/hg19 1p36.33-36.32(chr1:849466-2621542)x1

Genes: ACAP3 (ArfGAP with coiled-coil, ankyrin repeat and PH domains 3; minus strand), AGRN (agrin; plus strand), ANKRD65 (ankyrin repeat domain 65; minus strand), ATAD3A (ATPase family AAA domain containing 3A; plus strand), ATAD3B (ATPase family AAA domain containing 3B; plus strand) and 59 more. Cytogenetic location: 1p36.33-36.32.
Variant type: copy number loss.
Change: copy number 1 (one copy instead of two) of chr1:849,466-2,621,542 (1.77 Mb, GRCh37 coordinates, 1-based), cytogenetic band 1p36.33-36.32.
Identifiers: ClinVar variation 1341246 (VCV001341246.1).

ClinVar aggregate classification (germline): Pathogenic (1 of 4 stars; one submission).

Submission:

Quest Diagnostics Nichols Institute San Juan Capistrano
Classification: Pathogenic. Last evaluated: 2024-05-01. Review status: criteria provided, single submitter. Criteria: ACMG/ClinGen CNV Guidelines, 2019. Collection method: clinical testing. Allele origin: unknown.
Comment: This loss is within the distal portion of the region associated with 1p36 deletion syndrome (OMIM 607872; ISCA-37434) and contains proposed causative genes. Individuals with 1p36 deletion syndrome have variable clinical features (Jacquin 2023, Jordan 2015, Shimada 2015). Therefore, based on current medical literature and gene count, this copy number variant (CNV) is classified as pathogenic. References: Jacquin et al., Am J Med Genet A. 2023 Feb;191(2):445-458. PMID: 36369750; Jordan et al., Appl Clin Genet. 2015 Aug 27;8:189-200. PMID: 26345236; Shimada et al., Brain Dev. 2015 May;37(5):515-26. PMID: 25172301